The following is an entry in ClinVar:

ClinVar aggregate classification (germline): Uncertain significance. Review status: criteria provided, multiple submitters, no conflicts (2 of 4 stars). 2 submissions from 2 submitters: Uncertain significance (2). Last evaluated 2025-08-19.

gnomAD v4.1: 8 of 1,613,668 alleles (0.0005%); highest among the groups gnomAD compares: Admixed American, 0.0017%; no homozygotes.

Submissions (2):

Labcorp Genetics (formerly Invitae), Labcorp
Classification: Uncertain significance. Last evaluated: 2025-08-19. Review status: criteria provided, single submitter. Criteria: Invitae Variant Classification Sherloc (09022015). Collection method: clinical testing. Allele origin: germline.
Comment: This sequence change replaces glycine, which is neutral and non-polar, with arginine, which is basic and polar, at codon 361 of the MYH3 protein (p.Gly361Arg). This variant is not present in population databases (gnomAD no frequency). This variant has not been reported in the literature in individuals affected with MYH3-related conditions. ClinVar contains an entry for this variant (Variation ID: 3767588). Invitae Evidence Modeling of protein sequence and biophysical properties (such as structural, functional, and spatial information, amino acid conservation, physicochemical variation, residue mobility, and thermodynamic stability) has been performed for this missense variant. However, the output from this modeling did not meet the statistical confidence thresholds required to predict the impact of this variant on MYH3 protein function. In summary, the available evidence is currently insufficient to determine the role of this variant in disease. Therefore, it has been classified as a Variant of Uncertain Significance.

GeneDx
Classification: Uncertain significance. Last evaluated: 2024-09-10. Review status: criteria provided, single submitter. Criteria: GeneDx Variant Classification Process June 2021. Collection method: clinical testing. Allele origin: germline. Affected: yes.
Comment: Not observed at significant frequency in large population cohorts (gnomAD); In silico analysis supports that this missense variant has a deleterious effect on protein structure/function; Has not been previously published as pathogenic or benign to our knowledge

NM_002470.4(MYH3):c.1081G>A (p.Gly361Arg)

Gene: MYH3 (myosin heavy chain 3; minus strand). Cytogenetic location: 17p13.1.
Variant type: single nucleotide variant.
Coding change: c.1081G>A on transcript NM_002470.4 (MANE Select); coding-DNA position 1081, G replaced by A.
Protein change: p.Gly361Arg; replaces glycine 361 with arginine.
Molecular consequence: missense variant.
Genome position (GRCh38, 1-based): chr17:10,645,767, C>T on the plus strand (G>A on the coding strand, the complement: MYH3 is on the minus strand). VCF-style: chr17-10645767-C-T. GRCh37 (hg19) VCF-style: chr17-10549084-C-T.
Other names: short protein forms G361R.
Identifiers: ClinVar variation 3767588 (VCV003767588.2).
Genomic context (GRCh38, chr17:10,645,767, plus strand): 5'-CTTCTGTGCCATCCGGCTCGGCCTGCTCCTCTCGCTGCTTCTGCTTGAACTTCATGTTCC[C>T]GTAGTGCATCACGGCTCCCGTCAGCTTGTAGAGCCCAGATTTCTCTTCTGGGGTGAAGCC-3'
Protein context (NP_002461.2, residues 351-371): YKLTGAVMHY[Gly361Arg]NMKFKQKQRE